The following is an entry in ClinVar:

ClinVar aggregate classification (germline): Likely benign. Review status: criteria provided, single submitter (1 of 4 stars). 2 submissions from 2 submitters: Likely benign (1). 1 of the submissions does not count toward it. Last evaluated 2024-02-19.

Conditions:
Peroxisome biogenesis disorder, complementation group 7 (CG7). Also called: Peroxisome biogenesis disorder, complementation group B. Identifiers: MedGen C1864399.
PEX10-related disorder. Also called: PEX10-related condition.

Submissions (2):

Labcorp Genetics (formerly Invitae), Labcorp
Classification: Likely benign for Peroxisome biogenesis disorder, complementation group 7. Last evaluated: 2024-02-19. Review status: criteria provided, single submitter. Criteria: Invitae Variant Classification Sherloc (09022015). Collection method: clinical testing. Allele origin: germline.

PreventionGenetics, part of Exact Sciences
Classification: Likely benign for PEX10-related condition. Last evaluated: 2024-08-23. Review status: no assertion criteria provided. Collection method: clinical testing. Allele origin: germline. Not counted in ClinVar's aggregate classification.
Comment: This variant is classified as likely benign based on ACMG/AMP sequence variant interpretation guidelines (Richards et al. 2015 PMID: 25741868, with internal and published modifications).

NM_002617.4(PEX10):c.315G>A (p.Leu105=)

Gene: PEX10 (peroxisomal biogenesis factor 10; minus strand). Cytogenetic location: 1p36.32.
Variant type: single nucleotide variant.
Coding change: c.315G>A on transcript NM_002617.4 (MANE Select); coding-DNA position 315, G replaced by A.
Protein change: p.Leu105=; no amino-acid change (leucine 105 retained).
Molecular consequence: synonymous variant. On other transcripts: 5 prime UTR variant (2), non-coding transcript variant (1).
Genome position (GRCh38, 1-based): chr1:2,408,737, C>T on the plus strand (G>A on the coding strand, the complement: PEX10 is on the minus strand). VCF-style: chr1-2408737-C-T. GRCh37 (hg19) VCF-style: chr1-2340176-C-T.
Other names: c.315G>A, p.Leu105= (NM_001374425.1, NM_153818.2); c.-118G>A (NM_001374426.1, NM_001374427.1).
Identifiers: ClinVar variation 3349918 (VCV003349918.3).